The following is an entry in ClinVar:

NM_001001957.2(OR2W3):c.58C>T (p.Arg20Ter)

Gene: OR2W3 (olfactory receptor family 2 subfamily W member 3; plus strand). Cytogenetic location: 1q44.
Variant type: single nucleotide variant.
Coding change: c.58C>T on transcript NM_001001957.2 (MANE Select); coding-DNA position 58, C replaced by T.
Protein change: p.Arg20Ter; replaces arginine 20 with a stop codon.
Molecular consequence: nonsense.
Genome position (GRCh38, 1-based): chr1:247,895,644, C>T. VCF-style: chr1-247895644-C-T. GRCh37 (hg19) VCF-style: chr1-248058946-C-T.
Other names: short protein forms R20*.
Identifiers: ClinVar variation 1411945 (VCV001411945.6), dbSNP rs200867914, ClinGen allele CA1498503.
Genomic context (GRCh38, chr1:247,895,644, plus strand): 5'-GAGATGGATGGAACCAATGGCAGCACCCAAACCCATTTCATCCTACTGGGATTCTCTGAC[C>T]GACCCCATCTGGAGAGGATCCTCTTTGTGGTCATCCTGATCGCGTACCTCCTGACCCTCG-3'

ClinVar aggregate classification (germline): Uncertain significance (1 of 4 stars; one submission).

Allele frequency attached by ClinVar (database versions not stated): gnomAD exomes 0.00003 and 0.00012; gnomAD 0.00004 and 0.00007; ExAC 0.00011; 1000 Genomes Project 30x 0.00031; 1000 Genomes Project 0.00040.
gnomAD v4.1: 58 of 1,613,882 alleles (0.0036%); highest among the groups gnomAD compares: East Asian, 0.036%; no homozygotes.

Submission:

Labcorp Genetics (formerly Invitae), Labcorp
Classification: Uncertain significance. Last evaluated: 2025-05-27. Review status: criteria provided, single submitter. Criteria: Invitae Variant Classification Sherloc (09022015). Collection method: clinical testing. Allele origin: germline.
Comment: This sequence change creates a premature translational stop signal (p.Arg20*) in the OR2W3 gene. While this is not anticipated to result in nonsense mediated decay, it is expected to disrupt the last 295 amino acid(s) of the OR2W3 protein. This variant is present in population databases (rs200867914, gnomAD 0.1%), and has an allele count higher than expected for a pathogenic variant. This variant has not been reported in the literature in individuals affected with OR2W3-related conditions. ClinVar contains an entry for this variant (Variation ID: 1411945). Experimental studies and prediction algorithms are not available or were not evaluated, and the functional significance of this variant is currently unknown. In summary, the available evidence is currently insufficient to determine the role of this variant in disease. Therefore, it has been classified as a Variant of Uncertain Significance.